The following is an entry in ClinVar:

NM_001203.3(BMPR1B):c.895A>G (p.Lys299Glu)

Gene: BMPR1B (bone morphogenetic protein receptor type 1B; plus strand). Cytogenetic location: 4q22.3.
Variant type: single nucleotide variant.
Coding change: c.895A>G on transcript NM_001203.3 (MANE Select); coding-DNA position 895, A replaced by G.
Protein change: p.Lys299Glu; replaces lysine 299 with glutamic acid.
Molecular consequence: missense variant.
Genome position (GRCh38, 1-based): chr4:95,131,331, A>G. VCF-style: chr4-95131331-A-G. GRCh37 (hg19) VCF-style: chr4-96052482-A-G.
Other names: c.895A>G, p.Lys299Glu (NM_001256792.2, NM_001256794.1); c.985A>G, p.Lys329Glu (NM_001256793.2); short protein forms K299E, K329E.
Identifiers: ClinVar variation 1320798 (VCV001320798.10), dbSNP rs762320529, ClinGen allele CA3015125.

ClinVar aggregate classification (germline): Uncertain significance. Review status: criteria provided, multiple submitters, no conflicts (2 of 4 stars). 2 submissions from 2 submitters: Uncertain significance (2). Last evaluated 2025-11-18.

Conditions:
Acromesomelic dysplasia 3 (AMD3). Also called: Acromesomelic dysplasia, Demirhan type; CHONDRODYSPLASIA, ACROMESOMELIC, WITH OR WITHOUT GENITAL ANOMALIES. Identifiers: MedGen C4225404, MONDO:0012274, OMIM 609441.
Type A2 brachydactyly (BDA2). Also called: MOHR-WRIEDT TYPE BRACHYDACTYLY; Brachymesophalangy type 2; BRACHYMESOPHALANGY II. Identifiers: Orphanet 93396, MedGen C1832702, MONDO:0007216, OMIM 112600, HP:0009372.

Allele frequency attached by ClinVar (database versions not stated): ExAC 0.00002; TOPMed 0.00002; gnomAD 0.00004.
gnomAD v4.1: 10 of 1,613,976 alleles (0.00062%); highest among the groups gnomAD compares: African/African-American, 0.0067%; no homozygotes.

Submissions (2):

Labcorp Genetics (formerly Invitae), Labcorp
Classification: Uncertain significance for Type A2 brachydactyly; Acromesomelic dysplasia 3. Last evaluated: 2025-11-18. Review status: criteria provided, single submitter. Criteria: Invitae Variant Classification Sherloc (09022015). Collection method: clinical testing. Allele origin: germline.
Comment: This sequence change replaces lysine, which is basic and polar, with glutamic acid, which is acidic and polar, at codon 299 of the BMPR1B protein (p.Lys299Glu). This variant is present in population databases (rs762320529, gnomAD 0.007%). This variant has not been reported in the literature in individuals affected with BMPR1B-related conditions. ClinVar contains an entry for this variant (Variation ID: 1320798). Invitae Evidence Modeling of protein sequence and biophysical properties (such as structural, functional, and spatial information, amino acid conservation, physicochemical variation, residue mobility, and thermodynamic stability) indicates that this missense variant is not expected to disrupt BMPR1B protein function with a negative predictive value of 80%. In summary, the available evidence is currently insufficient to determine the role of this variant in disease. Therefore, it has been classified as a Variant of Uncertain Significance.

GeneDx
Classification: Uncertain significance. Last evaluated: 2020-11-13. Review status: criteria provided, single submitter. Criteria: GeneDx Variant Classification Process June 2021. Collection method: clinical testing. Allele origin: germline. Affected: yes.
Comment: In silico analysis supports that this missense variant does not alter protein structure/function; Has not been previously published as pathogenic or benign to our knowledge